The following is an entry in ClinVar:

ClinVar aggregate classification (germline): Conflicting classifications of pathogenicity. Review status: criteria provided, conflicting classifications (1 of 4 stars). 7 submissions from 7 submitters: Likely pathogenic (1); Uncertain significance (5). 1 of the submissions does not count toward it. Last evaluated 2025-12-21.

Conditions:
Cardiovascular phenotype. Identifiers: MedGen CN230736.
Hypertrophic cardiomyopathy. Also called: HYPERTROPHIC MYOCARDIOPATHY. Identifiers: Orphanet 217569, MedGen C0007194, MeSH D002312, MONDO:0005045, HP:0001639.

Allele frequency attached by ClinVar (database versions not stated): gnomAD exomes below 0.00001; TOPMed below 0.00001; ExAC 0.00001; gnomAD 0.00001.
gnomAD v4.1: 7 of 1,613,872 alleles (0.00043%); highest among the groups gnomAD compares: South Asian, 0.0011%; no homozygotes.

Submissions (7):

Labcorp Genetics (formerly Invitae), Labcorp
Classification: Uncertain significance for Hypertrophic cardiomyopathy. Last evaluated: 2025-12-21. Review status: criteria provided, single submitter. Criteria: Invitae Variant Classification Sherloc (09022015). Collection method: clinical testing. Allele origin: germline.
Comment: This sequence change affects codon 758 of the MYBPC3 mRNA. It is a 'silent' change, meaning that it does not change the encoded amino acid sequence of the MYBPC3 protein. RNA analysis indicates that this variant induces altered splicing and likely results in the loss of 12 amino acid residue(s), but is expected to preserve the integrity of the reading-frame. This variant is present in population databases (rs397515957, gnomAD no frequency). This variant has been observed in individual(s) with hypertrophic cardiomyopathy (PMID: 30025578). ClinVar contains an entry for this variant (Variation ID: 42609). Studies have shown that this variant results in the activation of a cryptic splice site in exon 23 (PMID: 30025578). In summary, the available evidence is currently insufficient to determine the role of this variant in disease. Therefore, it has been classified as a Variant of Uncertain Significance.

Ambry Genetics
Classification: Uncertain significance for Cardiovascular phenotype. Last evaluated: 2025-09-08. Review status: criteria provided, single submitter. Criteria: Ambry Variant Classification Scheme 2023. Collection method: clinical testing. Allele origin: germline.
Comment: The c.2274C>T variant (also known as p.G758G) is located in coding exon 23 of the MYBPC3 gene. This variant results from a C to T substitution at nucleotide position 2274. This nucleotide substitution does not change the amino acid at codon 758. This variant was identified in one or more individuals with features consistent with hypertrophic cardiomyopathy and segregated with disease in at least one family (Alfares AA et al. Genet Med, 2015 Nov;17:880-8; Bagnall RD et al. J Am Coll Cardiol, 2018 Jul;72:419-429; Helms AS et al. Circ Genom Precis Med, 2020 Oct;13:396-405; Ambry internal data). RNA studies by one group indicated that this variant causes aberrant splicing leading to an in-frame deletion of 12 amino acids (Bagnall RD et al. J Am Coll Cardiol, 2018 Jul;72:419-429). This nucleotide position is not well conserved in available vertebrate species. In silico splice site analysis predicts that this alteration will result in the creation or strengthening of a novel splice donor site. Based on the available evidence, the clinical significance of this variant remains unclear.

GeneDx
Classification: Likely pathogenic. Last evaluated: 2025-04-11. Review status: criteria provided, single submitter. Criteria: GeneDx Variant Classification Process June 2021. Collection method: clinical testing. Allele origin: germline. Affected: yes.
Comment: Not observed at significant frequency in large population cohorts (gnomAD); RNA analysis revealed exon 23 was truncated by 36 nucleotides, leading to an in-frame deletion of 12 amino acids (Gly758-Ile769) (PMID: 30025578); In silico analysis supports a deleterious effect on splicing; This variant is associated with the following publications: (PMID: 31243064, 30025578, 36252119, 36243179)

Laboratory for Molecular Medicine, Mass General Brigham Personalized Medicine
Classification: Uncertain significance for Hypertrophic cardiomyopathy. Last evaluated: 2023-05-11. Review status: criteria provided, single submitter. Criteria: ACMG Guidelines, 2015. Collection method: clinical testing. Allele origin: germline. Inheritance: Autosomal dominant inheritance.
Comment: The p.Gly758Gly variant in MYBPC3 has been reported in at least 2 individuals with hypertrophic cardiomyopathy (HCM) and segregated with disease in 2 affected relatives from one family (Bagnall 2018 PMID: 30025578, LMM Data). This variant has also been reported by other clinical laboratories in ClinVar (Variation ID 42609) and has been identified in 0.0015% (1/68016) of European chromosomes by gnomAD (v.3.1.2). Computational prediction tools predict a splicing impact, resulting from the creation of a novel 5' (donor) splice site. This is corroborated by an vitro splicing study on patient RNA from blood, which showed aberrant splicing on exon 23 that resulted in a protein that is truncated by 12 amino acids and not expected to affect the reading frame (Bagnall 2018 PMID: 30025578). It is unclear how this truncation would cause disease. In summary, while there is some suspicion for a pathogenic role, the clinical significance of this variant is uncertain. ACMG/AMP Criteria applied: PS4_Supporting, PM2_Supporting, PP3, PM4.

All of Us Research Program, National Institutes of Health
Classification: Uncertain significance for Hypertrophic cardiomyopathy. Last evaluated: 2023-04-27. Review status: criteria provided, single submitter. Criteria: ACMG Guidelines, 2015. Collection method: clinical testing. Allele origin: germline. Inheritance: Autosomal dominant inheritance. Observed: 1 variant allele, 1 heterozygote.
Comment: This study involves interpretation of variants in research participants for the purpose of population health screening. Participant phenotype was not available at the time of variant classification. Additional details can be found in publication PMID: 35346344, PMCID: PMC8962531

Blueprint Genetics
Classification: Uncertain significance. Last evaluated: 2017-06-05. Review status: criteria provided, single submitter. Criteria: ACMG Guidelines, 2015. Collection method: clinical testing. Allele origin: germline.

Agnes Ginges Centre for Molecular Cardiology, Centenary Institute
Classification: Likely pathogenic for Hypertrophic cardiomyopathy. Last evaluated: 2019-05-08. Review status: no assertion criteria provided. Collection method: research. Allele origin: germline. Inheritance: Autosomal dominant inheritance. Affected: yes. Not counted in ClinVar's aggregate classification.
Comment: MYBPC3 Gly758= has been previously reported in a HCM proband by another laboratory (LMM, ClinVar:SCV000059125) and is present at a low frequency in the Genome Aggregation Database. Splice prediction tool MaxEntScan predicts that this variant will result in aberrant splicing. RNA extracted from the blood of all 3 affected individuals showed that this causes a new splice donor and aberrant splicing of exon 23, resulting in a 36 base pair in-frame truncation (Bagnall et al., 2018). Based on the adapted ACMG guidelines (Kelly MA, et al., 2018) this variant is rare in the general population (PM2), causes a truncated protein (PM4), segregates to affected family members (PP1) and in silico tools predict aberrant splicing to occur (PP3), therefore we classify MYBPC3 Gly758= as 'likely pathogenic'.

Literature cited by the submitters: PubMed 30025578 (cited by 3 submitters); PubMed 25611685 (cited by Ambry Genetics); PubMed 32841044 (cited by Ambry Genetics).

NM_000256.3(MYBPC3):c.2274C>T (p.Gly758=)

Gene: MYBPC3 (myosin binding protein C3; minus strand). Cytogenetic location: 11p11.2.
Variant type: single nucleotide variant.
Coding change: c.2274C>T on transcript NM_000256.3 (MANE Select); coding-DNA position 2274, C replaced by T.
Protein change: p.Gly758=; no amino-acid change (glycine 758 retained).
Molecular consequence: synonymous variant.
Genome position (GRCh38, 1-based): chr11:47,338,554, G>A on the plus strand (C>T on the coding strand, the complement: MYBPC3 is on the minus strand). VCF-style: chr11-47338554-G-A. GRCh37 (hg19) VCF-style: chr11-47360105-G-A.
Identifiers: ClinVar variation 42609 (VCV000042609.24), dbSNP rs397515957, ClinGen allele CA011968.